The following is an entry in ClinVar:

NM_002335.4(LRP5):c.370T>C (p.Trp124Arg)

Gene: LRP5 (LDL receptor related protein 5; plus strand). Cytogenetic location: 11q13.2.
Variant type: single nucleotide variant.
Coding change: c.370T>C on transcript NM_002335.4 (MANE Select); coding-DNA position 370, T replaced by C.
Protein change: p.Trp124Arg; replaces tryptophan 124 with arginine.
Molecular consequence: missense variant. On other transcripts: 5 prime UTR variant (1).
Genome position (GRCh38, 1-based): chr11:68,348,125, T>C. VCF-style: chr11-68348125-T-C. GRCh37 (hg19) VCF-style: chr11-68115593-T-C.
Other names: c.-1396T>C (NM_001291902.2); short protein forms W124R.
Identifiers: ClinVar variation 2104641 (VCV002104641.4), dbSNP rs2496384563, ClinGen allele CA381610637.

ClinVar aggregate classification (germline): Uncertain significance (1 of 4 stars; one submission).

Submission:

Labcorp Genetics (formerly Invitae), Labcorp
Classification: Uncertain significance. Last evaluated: 2022-10-18. Review status: criteria provided, single submitter. Criteria: Invitae Variant Classification Sherloc (09022015). Collection method: clinical testing. Allele origin: germline.
Comment: In summary, the available evidence is currently insufficient to determine the role of this variant in disease. Therefore, it has been classified as a Variant of Uncertain Significance. Advanced modeling of protein sequence and biophysical properties (such as structural, functional, and spatial information, amino acid conservation, physicochemical variation, residue mobility, and thermodynamic stability) performed at Invitae indicates that this missense variant is expected to disrupt LRP5 protein function. This variant has not been reported in the literature in individuals affected with LRP5-related conditions. This variant is not present in population databases (gnomAD no frequency). This sequence change replaces tryptophan, which is neutral and slightly polar, with arginine, which is basic and polar, at codon 124 of the LRP5 protein (p.Trp124Arg).